The following is an entry in ClinVar:

ClinVar aggregate classification (germline): Pathogenic. Review status: criteria provided, multiple submitters, no conflicts (2 of 4 stars). 5 submissions from 5 submitters: Pathogenic (5). Last evaluated 2023-10-10.

Conditions:
Breast-ovarian cancer, familial, susceptibility to, 3. Also called: RAD51C-Related Breast/Ovarian Cancer. Identifiers: Orphanet 145, MedGen C3150659, MONDO:0013253, OMIM 613399.
Hereditary cancer-predisposing syndrome. Also called: Hereditary neoplastic syndrome; Neoplastic Syndromes, Hereditary; Tumor predisposition; Hereditary Cancer Syndrome. Identifiers: Orphanet 140162, MedGen C0027672, MeSH D009386, MONDO:0015356.
Fanconi anemia complementation group O. Also called: RAD51C-Related Fanconi Anemia. Identifiers: Orphanet 84, MedGen C3150653, MONDO:0013248, OMIM 613390.

Submissions (5):

Myriad Genetics, Inc.
Classification: Pathogenic for Breast-ovarian cancer, familial, susceptibility to, 3. Last evaluated: 2023-10-10. Review status: criteria provided, single submitter. Criteria: Myriad Autosomal Dominant, Autosomal Recessive and X-Linked Classification Criteria (2023). Collection method: clinical testing. Allele origin: unknown.
Comment: This variant is considered pathogenic. This variant creates a frameshift predicted to result in premature protein truncation.

Color Diagnostics, LLC DBA Color Health
Classification: Pathogenic for Hereditary cancer-predisposing syndrome. Last evaluated: 2022-11-07. Review status: criteria provided, single submitter. Criteria: ACMG Guidelines, 2015. Collection method: clinical testing. Allele origin: germline.
Comment: This variant deletes 4 nucleotides in exon 6 of the RAD51C gene, creating a frameshift and premature translation stop signal. This variant is expected to result in an absent or non-functional protein product. To our knowledge, functional studies have not been reported for this variant. This variant has been reported in an individual affected with breast and/or ovarian cancer (PMID: 26534844). This variant has not been identified in the general population by the Genome Aggregation Database (gnomAD). Loss of RAD51C function is a known mechanism of disease. Based on the available evidence, this variant is classified as Pathogenic.

Baylor Genetics
Classification: Pathogenic for Breast-ovarian cancer, familial, susceptibility to, 3. Last evaluated: 2022-01-14. Review status: criteria provided, single submitter. Criteria: ACMG Guidelines, 2015. Collection method: clinical testing. Allele origin: unknown.

Ambry Genetics
Classification: Pathogenic for Hereditary cancer-predisposing syndrome. Last evaluated: 2017-12-08. Review status: criteria provided, single submitter. Criteria: Ambry Variant Classification Scheme 2023. Collection method: clinical testing. Allele origin: germline.
Comment: The c.851_854delATCA pathogenic mutation, located in coding exon 6 of the RAD51C gene, results from a deletion of 4 nucleotides at nucleotide positions 851 to 854, causing a translational frameshift with a predicted alternate stop codon (p.N284Rfs*2). This alteration is expected to result in loss of function by premature protein truncation or nonsense-mediated mRNA decay. As such, this alteration is interpreted as a disease-causing mutation.

Labcorp Genetics (formerly Invitae), Labcorp
Classification: Pathogenic for Fanconi anemia complementation group O. Last evaluated: 2016-04-13. Review status: criteria provided, single submitter. Criteria: Invitae Variant Classification Sherloc (09022015). Collection method: clinical testing. Allele origin: germline.
Comment: For these reasons, this variant has been classified as Pathogenic. While this particular variant has not been reported in the literature, truncating variants in RAD51C are known to be pathogenic (PMID: 20400964, 21990120, 24800917). This sequence change deletes 4 nucleotides from exon 6 of the RAD51C mRNA (c.851_854delATCA), causing a frameshift at codon 284. This creates a premature translational stop signal (p.Asn284Argfs*2) and is expected to result in an absent or disrupted protein product.

Literature cited by the submitters: PubMed 26534844 (cited by Color Diagnostics, LLC DBA Color Health and Ambry Genetics); PubMed 20400964 (cited by Labcorp Genetics (formerly Invitae), Labcorp); PubMed 21990120 (cited by Labcorp Genetics (formerly Invitae), Labcorp); PubMed 24800917 (cited by Labcorp Genetics (formerly Invitae), Labcorp).

NM_058216.3(RAD51C):c.851_854del (p.Asn284fs)

Gene: RAD51C (RAD51 paralog C; plus strand). Cytogenetic location: 17q22.
Variant type: Deletion.
Coding change: c.851_854del on transcript NM_058216.3 (MANE Select); coding-DNA positions 851 to 854, 4 bases deleted (ATCA; older notation c.851_854delATCA).
Protein change: p.Asn284fs; shifts the reading frame from asparagine 284.
Molecular consequence: frameshift variant. On other transcripts: non-coding transcript variant (1).
Genome position (GRCh38, 1-based): chr17:58,720,759-58,720,762, ATCA deleted; deleting any 4 consecutive bases within chr17:58,720,757-58,720,762 gives the same sequence; the c. name uses the placement nearest the transcript's 3' end. VCF-style (leftmost placement, unchanged base first): chr17-58720756-CCAAT-C. GRCh37 (hg19) VCF-style: chr17-56798117-CCAAT-C.
Other names: c.851_854del (NM_058216.2); short protein forms N284fs.
Identifiers: ClinVar variation 409865 (VCV000409865.15), dbSNP rs1060502605, ClinGen allele CA16615476.